The following is an entry in ClinVar:

ClinVar aggregate classification (germline): Uncertain significance (1 of 4 stars; one submission).

Conditions:
Retinoblastoma (RB1). Also called: RETINOBLASTOMA, SOMATIC. Identifiers: Orphanet 790, MedGen C0035335, MeSH D012175, MONDO:0008380, OMIM 180200, HP:0009919. Disease mechanism: loss of function. Inheritance: Both sporadic and heritable forms are tested..

Submission:

Labcorp Genetics (formerly Invitae), Labcorp
Classification: Uncertain significance for Retinoblastoma. Last evaluated: 2025-12-12. Review status: criteria provided, single submitter. Criteria: Invitae Variant Classification Sherloc (09022015). Collection method: clinical testing. Allele origin: germline.
Comment: This variant occurs in a non-coding region of the RB1 gene. It does not change the encoded amino acid sequence of the RB1 protein. This variant is not present in population databases (gnomAD no frequency). This variant has not been reported in the literature in individuals affected with RB1-related conditions. Experimental studies and prediction algorithms are not available or were not evaluated, and the functional significance of this variant is currently unknown. In summary, the available evidence is currently insufficient to determine the role of this variant in disease. Therefore, it has been classified as a Variant of Uncertain Significance.

NC_000013.11:g.48303728T>C

Gene: RB1 (RB transcriptional corepressor 1; plus strand). Cytogenetic location: 13q14.2.
Variant type: single nucleotide variant.
Genome position: GRCh38 VCF-style: chr13-48303728-T-C. GRCh37 (hg19) VCF-style: chr13-48877864-T-C.
Identifiers: ClinVar variation 3705168 (VCV003705168.2).